The following is an entry in ClinVar:

ClinVar aggregate classification (germline): Conflicting classifications of pathogenicity. Review status: criteria provided, conflicting classifications (1 of 4 stars). 16 submissions from 15 submitters: Uncertain significance (2); Benign (5); Likely benign (4). 5 of the submissions do not count toward it. Last evaluated 2026-02-04.

Conditions:
POMGNT1-related disorder. Also called: POMGNT1-related condition; POMGNT1-related disorders. Identifiers: MedGen CN239299.
Congenital Muscular Dystrophy, alpha-dystroglycan related.
Muscular dystrophy-dystroglycanopathy (congenital with brain and eye anomalies), type A3. Also called: Muscular dystrophy-dystroglycanopathy (congenital with brain and eye anomalies), type A, 3; Congenital muscular dystrophy-dystroglycanopathy with brain and eye anomalies, type A3; WALKER-WARBURG SYNDROME OR MUSCLE-EYE-BRAIN DISEASE, POMGNT1-RELATED. Identifiers: MedGen C3151519, MONDO:0009667, OMIM 253280.
Autosomal recessive limb-girdle muscular dystrophy type 2O. Also called: Limb-Girdle Muscular Dystrophy Type 3C; MUSCULAR DYSTROPHY-DYSTROGLYCANOPATHY, LIMB-GIRDLE, POMGNT1-RELATED; MUSCULAR DYSTROPHY-DYSTROGLYCANOPATHY (LIMB-GIRDLE), TYPE C, 3. Identifiers: Orphanet 206564, MedGen C3150417, MONDO:0013161, OMIM 613157.
Muscular dystrophy-dystroglycanopathy (congenital with impaired intellectual development), type B, 3. Also called: MUSCULAR DYSTROPHY, CONGENITAL, POMGNT1-RELATED; Muscular dystrophy-dystroglycanopathy (congenital with intellectual disability), type B3. Identifiers: MedGen C3150412, MONDO:0013155, OMIM 613151.
Muscle eye brain disease (MEB). Also called: Santavuori congenital muscular dystrophy. Identifiers: Orphanet 588, Orphanet 899, MedGen C0457133, MONDO:0018939.

Allele frequency attached by ClinVar (database versions not stated): 1000 Genomes Project 0.00080; 1000 Genomes Project 30x 0.00094; TOPMed 0.00234; gnomAD 0.00243 and 0.00250; gnomAD exomes 0.00314; ESP Exome Variant Server 0.00315; ExAC 0.00295.

Submissions (16):

Labcorp Genetics (formerly Invitae), Labcorp
Classification: Benign for Autosomal recessive limb-girdle muscular dystrophy type 2O; Muscular dystrophy-dystroglycanopathy (congenital with impaired intellectual development), type B, 3. Last evaluated: 2026-02-04. Review status: criteria provided, single submitter. Criteria: Invitae Variant Classification Sherloc (09022015). Collection method: clinical testing. Allele origin: germline.

Blueprint Genetics
Classification: Likely benign. Last evaluated: 2024-11-22. Review status: criteria provided, single submitter. Criteria: ACMG Guidelines, 2015. Collection method: clinical testing. Allele origin: germline.

CeGaT Center for Human Genetics Tuebingen
Classification: Likely benign. Last evaluated: 2024-11-01. Review status: criteria provided, single submitter. Criteria: CeGaT Center For Human Genetics Tuebingen Variant Classification Criteria Version 2. Collection method: clinical testing. Allele origin: germline. Affected: yes. Observed: 8 variant alleles.
Comment: POMGNT1: BS2

Genome-Nilou Lab
Classification: Likely benign for Muscular dystrophy-dystroglycanopathy (congenital with brain and eye anomalies), type A3. Last evaluated: 2021-05-18. Review status: criteria provided, single submitter. Criteria: ACMG Guidelines, 2015. Collection method: clinical testing. Allele origin: germline. Affected: no.

GeneDx
Classification: Likely benign. Last evaluated: 2020-07-02. Review status: criteria provided, single submitter. Criteria: GeneDx Variant Classification Process June 2021. Collection method: clinical testing. Allele origin: germline. Affected: yes.

Mayo Clinic Laboratories, Mayo Clinic
Classification: Benign. Last evaluated: 2019-05-23. Review status: criteria provided, single submitter. Criteria: ACMG Guidelines, 2015. Collection method: clinical testing. Allele origin: germline. Observed: 7 variant alleles.

Genetic Services Laboratory, University of Chicago
Classification: Benign. Last evaluated: 2019-03-08. Review status: criteria provided, single submitter. Criteria: ACMG Guidelines, 2015. Collection method: clinical testing. Allele origin: germline. Affected: no.

Athena Diagnostics
Classification: Benign. Last evaluated: 2018-03-05. Review status: criteria provided, single submitter. Criteria: Athena Diagnostics Criteria. Collection method: clinical testing. Allele origin: germline.

Illumina Laboratory Services, Illumina
Classification: Uncertain significance for Autosomal recessive limb-girdle muscular dystrophy type 2O. Last evaluated: 2018-01-12. Review status: criteria provided, single submitter. Criteria: ICSL Variant Classification Criteria 13 December 2019. Collection method: clinical testing. Allele origin: germline.

Illumina Laboratory Services, Illumina
Classification: Uncertain significance for Congenital Muscular Dystrophy, alpha-dystroglycan related. Last evaluated: 2018-01-12. Review status: criteria provided, single submitter. Criteria: ICSL Variant Classification Criteria 13 December 2019. Collection method: clinical testing. Allele origin: germline.

Eurofins Ntd Llc (ga)
Classification: Benign. Last evaluated: 2013-10-25. Review status: criteria provided, single submitter. Criteria: EGL Classification Definitions 2015. Collection method: clinical testing. Allele origin: germline. Observed: 1 variant allele, 1 heterozygote.

PreventionGenetics, part of Exact Sciences
Classification: Benign for POMGNT1-related condition. Last evaluated: 2021-02-09. Review status: no assertion criteria provided. Collection method: clinical testing. Allele origin: germline. Not counted in ClinVar's aggregate classification.
Comment: This variant is classified as benign based on ACMG/AMP sequence variant interpretation guidelines (Richards et al. 2015 PMID: 25741868, with internal and published modifications).

Natera, Inc.
Classification: Benign for Muscle-eye-brain disease. Last evaluated: 2019-10-21. Review status: no assertion criteria provided. Collection method: clinical testing. Allele origin: germline. Not counted in ClinVar's aggregate classification.

Counsyl
Classification: Likely benign for Muscular dystrophy-dystroglycanopathy (congenital with brain and eye anomalies), type A3. Last evaluated: 2017-06-12. Review status: no assertion criteria provided. Collection method: clinical testing. Allele origin: unknown. Not counted in ClinVar's aggregate classification.

Clinical Genetics DNA and cytogenetics Diagnostics Lab, Erasmus MC, Erasmus Medical Center
Classification: Likely benign. Review status: no assertion criteria provided. Collection method: clinical testing. Allele origin: germline. Affected: yes. Study: VKGL Data-share Consensus. Not counted in ClinVar's aggregate classification.

Genome Diagnostics Laboratory, University Medical Center Utrecht
Classification: Likely benign. Review status: no assertion criteria provided. Collection method: clinical testing. Allele origin: germline. Affected: yes. Study: VKGL Data-share Consensus. Not counted in ClinVar's aggregate classification.

NM_017739.4(POMGNT1):c.301G>A (p.Val101Ile)

Gene: POMGNT1 (protein O-linked mannose N-acetylglucosaminyltransferase 1 (beta 1,2-); minus strand). Cytogenetic location: 1p34.1.
Variant type: single nucleotide variant.
Coding change: c.301G>A on transcript NM_017739.4 (MANE Select); coding-DNA position 301, G replaced by A.
Protein change: p.Val101Ile; replaces valine 101 with isoleucine.
Molecular consequence: missense variant. On other transcripts: 5 prime UTR variant (1).
Genome position (GRCh38, 1-based): chr1:46,196,784, C>T on the plus strand (G>A on the coding strand, the complement: POMGNT1 is on the minus strand). VCF-style: chr1-46196784-C-T. GRCh37 (hg19) VCF-style: chr1-46662456-C-T.
Other names: c.301G>A, p.Val101Ile (NM_001243766.2, NM_001410783.1); c.235G>A, p.Val79Ile (NM_001290129.3); c.-129G>A (NM_001290130.2); short protein forms V101I, V79I.
Identifiers: ClinVar variation 95759 (VCV000095759.109), dbSNP rs150576537, ClinGen allele CA148807.
Genomic context (GRCh38, chr1:46,196,784, plus strand): 5'-CACTGACCGTGGTGCCATCCACTGCCACATATACTTTGCTGCGACTTGAATACACCTCTA[C>T]GTCCAGGACCCGCCGGGGACCACTGCCTCTGCGCCGTGGGGGCTCCAGGCGGCCTAGGGC-3'
Protein context (NP_060209.4, residues 91-111): RGSGPRRVLD[Val101Ile]EVYSSRSKVY